The following is an entry in ClinVar:

NM_032730.5(RTN4IP1):c.233T>G (p.Val78Gly)

Gene: RTN4IP1 (reticulon 4 interacting protein 1; minus strand). Cytogenetic location: 6q21.
Variant type: single nucleotide variant.
Coding change: c.233T>G on transcript NM_032730.5 (MANE Select); coding-DNA position 233, T replaced by G.
Protein change: p.Val78Gly; replaces valine 78 with glycine.
Molecular consequence: missense variant. On other transcripts: intron variant (1).
Genome position (GRCh38, 1-based): chr6:106,628,789, A>C on the plus strand (T>G on the coding strand, the complement: RTN4IP1 is on the minus strand). VCF-style: chr6-106628789-A-C. GRCh37 (hg19) VCF-style: chr6-107076664-A-C.
Other names: c.-27+1538T>G (NM_001318746.1); short protein forms V78G.
Identifiers: ClinVar variation 957550 (VCV000957550.9), dbSNP rs1298801755, ClinGen allele CA365168430.

ClinVar aggregate classification (germline): Uncertain significance (1 of 4 stars; one submission).

Submission:

Labcorp Genetics (formerly Invitae), Labcorp
Classification: Uncertain significance. Last evaluated: 2019-09-15. Review status: criteria provided, single submitter. Criteria: Invitae Variant Classification Sherloc (09022015). Collection method: clinical testing. Allele origin: germline.
Comment: In summary, the available evidence is currently insufficient to determine the role of this variant in disease. Therefore, it has been classified as a Variant of Uncertain Significance. Algorithms developed to predict the effect of sequence changes on RNA splicing suggest that this variant may create or strengthen a splice site, but this prediction has not been confirmed by published transcriptional studies. Algorithms developed to predict the effect of missense changes on protein structure and function (SIFT, PolyPhen-2, Align-GVGD) all suggest that this variant is likely to be disruptive, but these predictions have not been confirmed by published functional studies and their clinical significance is uncertain. This variant has not been reported in the literature in individuals with RTN4IP1-related conditions. This variant is not present in population databases (ExAC no frequency). This sequence change replaces valine with glycine at codon 78 of the RTN4IP1 protein (p.Val78Gly). The valine residue is highly conserved and there is a moderate physicochemical difference between valine and glycine.